The following is an entry in ClinVar:

NM_000322.5(PRPH2):c.770A>G (p.Tyr257Cys)

Gene: PRPH2 (peripherin 2; minus strand). Cytogenetic location: 6p21.1.
Variant type: single nucleotide variant.
Coding change: c.770A>G on transcript NM_000322.5 (MANE Select); coding-DNA position 770, A replaced by G.
Protein change: p.Tyr257Cys; replaces tyrosine 257 with cysteine.
Molecular consequence: missense variant.
Genome position (GRCh38, 1-based): chr6:42,704,423, T>C on the plus strand (A>G on the coding strand, the complement: PRPH2 is on the minus strand). VCF-style: chr6-42704423-T-C. GRCh37 (hg19) VCF-style: chr6-42672161-T-C.
Other names: short protein forms Y257C.
Identifiers: ClinVar variation 2656565 (VCV002656565.27), dbSNP rs2548300688, ClinGen allele CA364134871.

ClinVar aggregate classification (germline): Uncertain significance. Review status: criteria provided, multiple submitters, no conflicts (2 of 4 stars). 2 submissions from 2 submitters: Uncertain significance (2). Last evaluated 2025-03-18.

Conditions:
PRPH2-related disorder. Also called: PRPH2-related condition; PRPH2-related disorders. Identifiers: MedGen CN239395.

Submissions (2):

Labcorp Genetics (formerly Invitae), Labcorp
Classification: Uncertain significance for PRPH2-related disorder. Last evaluated: 2025-03-18. Review status: criteria provided, single submitter. Criteria: Invitae Variant Classification Sherloc (09022015). Collection method: clinical testing. Allele origin: germline.
Comment: This sequence change replaces tyrosine, which is neutral and polar, with cysteine, which is neutral and slightly polar, at codon 257 of the PRPH2 protein (p.Tyr257Cys). This variant is not present in population databases (gnomAD no frequency). This variant has not been reported in the literature in individuals affected with PRPH2-related conditions. ClinVar contains an entry for this variant (Variation ID: 2656565). Invitae Evidence Modeling of protein sequence and biophysical properties (such as structural, functional, and spatial information, amino acid conservation, physicochemical variation, residue mobility, and thermodynamic stability) indicates that this missense variant is expected to disrupt PRPH2 protein function with a positive predictive value of 95%. In summary, the available evidence is currently insufficient to determine the role of this variant in disease. Therefore, it has been classified as a Variant of Uncertain Significance.

CeGaT Center for Human Genetics Tuebingen
Classification: Uncertain significance. Last evaluated: 2023-10-01. Review status: criteria provided, single submitter. Criteria: CeGaT Center For Human Genetics Tuebingen Variant Classification Criteria Version 2. Collection method: clinical testing. Allele origin: germline. Affected: yes. Observed: 1 variant allele.
Comment: PRPH2: PM1, PM2